The following is an entry in ClinVar:

NM_000878.5(IL2RB):c.387C>T (p.Asn129=)

Gene: IL2RB (interleukin 2 receptor subunit beta; minus strand). Cytogenetic location: 22q12.3.
Variant type: single nucleotide variant.
Coding change: c.387C>T on transcript NM_000878.5 (MANE Select); coding-DNA position 387, C replaced by T.
Protein change: p.Asn129=; no amino-acid change (asparagine 129 retained).
Molecular consequence: synonymous variant.
Genome position (GRCh38, 1-based): chr22:37,139,118, G>A on the plus strand (C>T on the coding strand, the complement: IL2RB is on the minus strand). VCF-style: chr22-37139118-G-A. GRCh37 (hg19) VCF-style: chr22-37535158-G-A.
Other names: c.387C>T, p.Asn129= (NM_001346222.1, NM_001346223.2).
Identifiers: ClinVar variation 1477240 (VCV001477240.7), dbSNP rs746518875, ClinGen allele CA10216653.

ClinVar aggregate classification (germline): Uncertain significance (1 of 4 stars; one submission).

Allele frequency attached by ClinVar (database versions not stated): gnomAD exomes below 0.00001; ExAC 0.00001.
gnomAD v4.1: 4 of 1,607,762 alleles (0.00025%); highest among the groups gnomAD compares: Admixed American, 0.0067%; no homozygotes.

Submission:

Labcorp Genetics (formerly Invitae), Labcorp
Classification: Uncertain significance. Last evaluated: 2024-11-05. Review status: criteria provided, single submitter. Criteria: Invitae Variant Classification Sherloc (09022015). Collection method: clinical testing. Allele origin: germline.
Comment: This sequence change affects codon 129 of the IL2RB mRNA. It is a 'silent' change, meaning that it does not change the encoded amino acid sequence of the IL2RB protein. It affects a nucleotide within the consensus splice site. The frequency data for this variant in the population databases is considered unreliable, as metrics indicate poor data quality at this position in the gnomAD database. This variant has not been reported in the literature in individuals affected with IL2RB-related conditions. ClinVar contains an entry for this variant (Variation ID: 1477240). Algorithms developed to predict the effect of sequence changes on RNA splicing suggest that this variant is not likely to affect RNA splicing. In summary, the available evidence is currently insufficient to determine the role of this variant in disease. Therefore, it has been classified as a Variant of Uncertain Significance.